The following is an entry in ClinVar:

ClinVar aggregate classification (germline): Uncertain significance (1 of 4 stars; one submission).

Submission:

GeneDx
Classification: Uncertain significance. Last evaluated: 2025-01-14. Review status: criteria provided, single submitter. Criteria: GeneDx Variant Classification Process June 2021. Collection method: clinical testing. Allele origin: germline. Affected: yes.
Comment: Has not been previously published as pathogenic or benign to our knowledge; Not observed at significant frequency in large population cohorts (gnomAD); In silico analysis indicates that this missense variant does not alter protein structure/function

NM_004370.6(COL12A1):c.1283A>T (p.Gln428Leu)

Gene: COL12A1 (collagen type XII alpha 1 chain; minus strand). Cytogenetic location: 6q13.
Variant type: single nucleotide variant.
Coding change: c.1283A>T on transcript NM_004370.6 (MANE Select); coding-DNA position 1283, A replaced by T.
Protein change: p.Gln428Leu; replaces glutamine 428 with leucine.
Molecular consequence: missense variant. On other transcripts: intron variant (1).
Genome position (GRCh38, 1-based): chr6:75,183,859, T>A on the plus strand (A>T on the coding strand, the complement: COL12A1 is on the minus strand). VCF-style: chr6-75183859-T-A. GRCh37 (hg19) VCF-style: chr6-75893575-T-A.
Other names: c.73+18861A>T (NM_080645.3); short protein forms Q428L.
Identifiers: ClinVar variation 2507187 (VCV002507187.2), dbSNP rs2533571010, ClinGen allele CA364772117.